The following is an entry in ClinVar:

NM_001271.4(CHD2):c.522del (p.Lys174_Val175insTer)

Gene: CHD2 (chromodomain helicase DNA binding protein 2; plus strand). Cytogenetic location: 15q26.1.
Variant type: Deletion.
Coding change: c.522del on transcript NM_001271.4 (MANE Select); coding-DNA position 522, one base deleted (A; older notation c.522delA).
Protein change: p.Lys174_Val175insTer.
Molecular consequence: frameshift variant.
Genome position (GRCh38, 1-based): chr15:92,937,596, A deleted; the last of 8 consecutive A bases (chr15:92,937,589-92,937,596); deleting any one gives the same sequence. VCF-style (leftmost placement, unchanged base first): chr15-92937588-CA-C. GRCh37 (hg19) VCF-style: chr15-93480818-CA-C.
Other names: c.522del (NM_001271.3); c.522del, p.Lys174_Val175insTer (NM_001042572.3).
Identifiers: ClinVar variation 523920 (VCV000523920.11), dbSNP rs748694853, ClinGen allele CA7747544.

ClinVar aggregate classification (germline): Pathogenic/Likely pathogenic. Review status: criteria provided, multiple submitters, no conflicts (2 of 4 stars). 3 submissions from 3 submitters: Pathogenic (2); Likely pathogenic (1). Last evaluated 2022-11-15.

Conditions:
Developmental and epileptic encephalopathy 94 (DEE94). Also called: Epileptic encephalopathy, childhood-onset; CHD2-Related Neurodevelopmental Disorders. Identifiers: Orphanet 1942, Orphanet 2382, MedGen C3809278, MONDO:0014150, OMIM 615369.

Submissions (3):

Labcorp Genetics (formerly Invitae), Labcorp
Classification: Pathogenic for Developmental and epileptic encephalopathy 94. Last evaluated: 2022-11-15. Review status: criteria provided, single submitter. Criteria: Invitae Variant Classification Sherloc (09022015). Collection method: clinical testing. Allele origin: germline.
Comment: For these reasons, this variant has been classified as Pathogenic. ClinVar contains an entry for this variant (Variation ID: 523920). This premature translational stop signal has been observed in individual(s) with CHD2-related conditions (PMID: 33004838). The frequency data for this variant in the population databases is considered unreliable, as metrics indicate poor data quality at this position in the gnomAD database. This sequence change creates a premature translational stop signal (p.Val175*) in the CHD2 gene. It is expected to result in an absent or disrupted protein product. Loss-of-function variants in CHD2 are known to be pathogenic (PMID: 23708187, 24207121).

Mendelics
Classification: Pathogenic for Developmental and epileptic encephalopathy 94. Last evaluated: 2022-05-04. Review status: criteria provided, single submitter. Criteria: Mendelics Assertion Criteria 2019. Collection method: clinical testing. Allele origin: germline.

GeneDx
Classification: Likely pathogenic. Last evaluated: 2018-03-16. Review status: criteria provided, single submitter. Criteria: GeneDx Variant Classification (06012015). Collection method: clinical testing. Allele origin: germline. Affected: yes.
Comment: The c.522delA variant in the CHD2 gene has not been reported previously as a pathogenic variant nor as a benign variant, to our knowledge. The c.522delA variant causes a frameshift, changing codon Valine 175 to a premature Stop codon, denoted p.Val175Ter. This variant is predicted to cause loss of normal protein function either through protein truncation or nonsense-mediated mRNA decay. The c.522delA variant is not observed in large population cohorts (Lek et al., 2016). We interpret c.522delA as a likely pathogenic variant.

Literature cited by the submitters: PubMed 33004838 (cited by Labcorp Genetics (formerly Invitae), Labcorp); PubMed 23708187 (cited by Labcorp Genetics (formerly Invitae), Labcorp); PubMed 24207121 (cited by Labcorp Genetics (formerly Invitae), Labcorp).